The following is an entry in ClinVar:

ClinVar aggregate classification (germline): Uncertain significance (1 of 4 stars; one submission).

Conditions:
Familial hyperparathyroidism or Hypocalciuric hypercalcaemia.

Submission:

Cambridge Genomics Laboratory, East Genomic Laboratory Hub, NHS Genomic Medicine Service
Classification: Uncertain significance for Familial hyperparathyroidism or Hypocalciuric hypercalcaemia. Last evaluated: 2025-08-27. Review status: criteria provided, single submitter. Criteria: ACGS Best Practice Guidelines for Variant Classification in Rare Disease 2020. Collection method: clinical testing. Allele origin: germline. Affected: yes.
Comment: PM2

NM_002067.5(GNA11):c.606-1G>C

Gene: GNA11 (G protein subunit alpha 11; plus strand). Cytogenetic location: 19p13.3.
Variant type: single nucleotide variant.
Coding change: c.606-1G>C on transcript NM_002067.5 (MANE Select); the canonical splice acceptor site of the intron before coding-DNA position 606, G replaced by C.
Molecular consequence: splice acceptor variant.
Genome position (GRCh38, 1-based): chr19:3,118,923, G>C. VCF-style: chr19-3118923-G-C. GRCh37 (hg19) VCF-style: chr19-3118921-G-C.
Identifiers: ClinVar variation 4540591 (VCV004540591.1).